The following is an entry in ClinVar:

ClinVar aggregate classification (germline): Uncertain significance. Review status: criteria provided, multiple submitters, no conflicts (2 of 4 stars). 2 submissions from 2 submitters: Uncertain significance (2). Last evaluated 2025-08-09.

Conditions:
Cerebral folate transport deficiency. Also called: FOLATE RECEPTOR DEFICIENCY; Cerebral folate deficiency syndrome; NEURODEGENERATION DUE TO CEREBRAL FOLATE TRANSPORT DEFICIENCY; Neurodegenerative syndrome due to cerebral folate transport deficiency; FOLR1-Related Cerebral Folate Transport Deficiency. Identifiers: Orphanet 217382, MedGen C2751584, MONDO:0013110, OMIM 613068. Disease mechanism: loss of function.
Inborn genetic diseases. Identifiers: MedGen C0950123, MeSH D030342.

gnomAD v4.1: 2 of 1,614,170 alleles (0.00012%); highest among the groups gnomAD compares: Non-Finnish European, 0.00017%; no homozygotes.

Submissions (2):

Ambry Genetics
Classification: Uncertain significance for Inborn genetic diseases. Last evaluated: 2025-08-09. Review status: criteria provided, single submitter. Criteria: Ambry Variant Classification Scheme 2023. Collection method: clinical testing. Allele origin: germline.

Labcorp Genetics (formerly Invitae), Labcorp
Classification: Uncertain significance for Cerebral folate transport deficiency. Last evaluated: 2023-07-17. Review status: criteria provided, single submitter. Criteria: Invitae Variant Classification Sherloc (09022015). Collection method: clinical testing. Allele origin: germline.
Comment: In summary, the available evidence is currently insufficient to determine the role of this variant in disease. Therefore, it has been classified as a Variant of Uncertain Significance. Advanced modeling of protein sequence and biophysical properties (such as structural, functional, and spatial information, amino acid conservation, physicochemical variation, residue mobility, and thermodynamic stability) performed at Invitae indicates that this missense variant is not expected to disrupt FOLR1 protein function. ClinVar contains an entry for this variant (Variation ID: 2175762). This variant has not been reported in the literature in individuals affected with FOLR1-related conditions. This variant is not present in population databases (gnomAD no frequency). This sequence change replaces methionine, which is neutral and non-polar, with valine, which is neutral and non-polar, at codon 38 of the FOLR1 protein (p.Met38Val).

NM_016729.3(FOLR1):c.112A>G (p.Met38Val)

Genes: FOLR1-AS1 (FOLR1 antisense RNA 1; minus strand), FOLR1 (folate receptor alpha; plus strand). Cytogenetic location: 11q13.4.
Variant type: single nucleotide variant.
Coding change: c.112A>G on transcript NM_016729.3 (MANE Select); coding-DNA position 112, A replaced by G.
Protein change: p.Met38Val; replaces methionine 38 with valine.
Molecular consequence: missense variant.
Genome position (GRCh38, 1-based): chr11:72,192,285, A>G. VCF-style: chr11-72192285-A-G. GRCh37 (hg19) VCF-style: chr11-71903329-A-G.
Other names: c.112A>G (NM_016725.2); c.112A>G, p.Met38Val (NM_000802.3, NM_016724.3, NM_016725.3 and 1 more transcripts); short protein forms M38V.
Identifiers: ClinVar variation 2175762 (VCV002175762.5), dbSNP rs1483857647, ClinGen allele CA381729640.